The following is an entry in ClinVar:

ClinVar aggregate classification (germline): Benign/Likely benign. Review status: criteria provided, multiple submitters, no conflicts (2 of 4 stars). 9 submissions from 9 submitters: Benign (2); Likely benign (7). Last evaluated 2026-06-01.

Conditions:
Osteogenesis imperfecta (OI). Identifiers: Orphanet 666, MedGen C0029434, MeSH D010013, MONDO:0019019.
Osteogenesis imperfecta type 15. Also called: WNT1-related osteogenesis imperfecta; Osteogenesis imperfecta, type xv; OI, TYPE XV. Identifiers: Orphanet 666, MedGen C3808844, MONDO:0014086, OMIM 615220.
OSTEOPOROSIS, EARLY-ONSET, SUSCEPTIBILITY TO (BMND16). Also called: Bone mineral density quantitative trait locus 16. Identifiers: Orphanet 85193, MedGen C3714945, OMIM 615221.

Allele frequency attached by ClinVar (database versions not stated): 1000 Genomes Project 30x 0.00250; 1000 Genomes Project 0.00280; ExAC 0.00296; gnomAD exomes 0.00307 and 0.00468; TOPMed 0.00348; gnomAD 0.00367 and 0.00373; ESP Exome Variant Server 0.00384.

Submissions (9):

CeGaT Center for Human Genetics Tuebingen
Classification: Likely benign. Last evaluated: 2026-06-01. Review status: criteria provided, single submitter. Criteria: CeGaT Center For Human Genetics Tuebingen Variant Classification Criteria Version 2. Collection method: clinical testing. Allele origin: germline. Affected: yes. Observed: 6 variant alleles.
Comment: WNT1: BS2

Labcorp Genetics (formerly Invitae), Labcorp
Classification: Likely benign. Last evaluated: 2026-02-02. Review status: criteria provided, single submitter. Criteria: Invitae Variant Classification Sherloc (09022015). Collection method: clinical testing. Allele origin: germline.

Mayo Clinic Laboratories, Mayo Clinic
Classification: Benign. Last evaluated: 2024-12-17. Review status: criteria provided, single submitter. Criteria: ACMG Guidelines, 2015. Collection method: clinical testing. Allele origin: germline. Observed: 2 variant alleles.
Comment: BS1, BS2

Blueprint Genetics
Classification: Likely benign. Last evaluated: 2024-11-25. Review status: criteria provided, single submitter. Criteria: ACMG Guidelines, 2015. Collection method: clinical testing. Allele origin: germline.

Fulgent Genetics
Classification: Likely benign for Osteogenesis imperfecta type 15; OSTEOPOROSIS, EARLY-ONSET, SUSCEPTIBILITY TO. Last evaluated: 2022-03-02. Review status: criteria provided, single submitter. Criteria: ACMG Guidelines, 2015. Collection method: clinical testing. Allele origin: unknown.

Genome Diagnostics Laboratory, The Hospital for Sick Children
Classification: Likely benign for Osteogenesis imperfecta. Last evaluated: 2021-12-08. Review status: criteria provided, single submitter. Criteria: ACMG Guidelines, 2015. Collection method: clinical testing. Allele origin: germline.

GeneDx
Classification: Benign. Last evaluated: 2018-11-21. Review status: criteria provided, single submitter. Criteria: GeneDx Variant Classification Process June 2021. Collection method: clinical testing. Allele origin: germline. Affected: yes.
Comment: This variant is associated with the following publications: (PMID: 24002087, 28173123)

Genomic Diagnostic Laboratory, Division of Genomic Diagnostics, Children's Hospital of Philadelphia
Classification: Likely benign. Last evaluated: 2015-06-19. Review status: criteria provided, single submitter. Criteria: DGD Variant Analysis Guidelines. Collection method: clinical testing. Allele origin: unknown.

Breakthrough Genomics
Classification: Likely benign. Review status: criteria provided, single submitter. Criteria: ACMG Guidelines, 2015. Collection method: not provided. Allele origin: germline. Inheritance: Autosomal recessive inheritance. Affected: yes.

NM_005430.4(WNT1):c.264T>A (p.Ser88Arg)

Gene: WNT1 (Wnt family member 1; plus strand). Cytogenetic location: 12q13.12.
Variant type: single nucleotide variant.
Coding change: c.264T>A on transcript NM_005430.4 (MANE Select); coding-DNA position 264, T replaced by A.
Protein change: p.Ser88Arg; replaces serine 88 with arginine.
Molecular consequence: missense variant.
Genome position (GRCh38, 1-based): chr12:48,979,627, T>A. VCF-style: chr12-48979627-T-A. GRCh37 (hg19) VCF-style: chr12-49373410-T-A.
Other names: p.Ser88Arg; short protein forms S88R.
Identifiers: ClinVar variation 218673 (VCV000218673.61), dbSNP rs61758378, ClinGen allele CA248864.